The following is an entry in ClinVar:

ClinVar aggregate classification (germline): Uncertain significance (1 of 4 stars; one submission).

Conditions:
CHARGE syndrome (CHARGE). Also called: Hittner Hirsch Kreh syndrome; CHARGE ASSOCIATION--COLOBOMA, HEART ANOMALY, CHOANAL ATRESIA, RETARDATION, GENITAL AND EAR ANOMALIES; Coloboma, heart anomaly, choanal atresia, retardation, genital and ear anomalies; CHARGE association; Hall-Hittner syndrome. Identifiers: Orphanet 138, MedGen C0265354, MONDO:0008965.

gnomAD v4.1: 1 of 1,598,174 alleles (0.000063%); highest among the groups gnomAD compares: Non-Finnish European, 0.000085%; no homozygotes.

Submission:

Labcorp Genetics (formerly Invitae), Labcorp
Classification: Uncertain significance for CHARGE syndrome. Last evaluated: 2025-07-02. Review status: criteria provided, single submitter. Criteria: Invitae Variant Classification Sherloc (09022015). Collection method: clinical testing. Allele origin: germline.
Comment: This sequence change replaces aspartic acid, which is acidic and polar, with alanine, which is neutral and non-polar, at codon 569 of the CHD7 protein (p.Asp569Ala). This variant is not present in population databases (gnomAD no frequency). This variant has not been reported in the literature in individuals affected with CHD7-related conditions. Invitae Evidence Modeling of protein sequence and biophysical properties (such as structural, functional, and spatial information, amino acid conservation, physicochemical variation, residue mobility, and thermodynamic stability) indicates that this missense variant is not expected to disrupt CHD7 protein function with a negative predictive value of 95%. In summary, the available evidence is currently insufficient to determine the role of this variant in disease. Therefore, it has been classified as a Variant of Uncertain Significance.

NM_017780.4(CHD7):c.1706A>C (p.Asp569Ala)

Genes: CHD7 (chromodomain helicase DNA binding protein 7; plus strand), LOC126860403 (CDK7 strongly-dependent group 2 enhancer GRCh37_chr8:61693034-61694233; plus strand). Cytogenetic location: 8q12.2.
Variant type: single nucleotide variant.
Coding change: c.1706A>C on transcript NM_017780.4 (MANE Select); coding-DNA position 1706, A replaced by C.
Protein change: p.Asp569Ala; replaces aspartic acid 569 with alanine.
Molecular consequence: missense variant.
Genome position (GRCh38, 1-based): chr8:60,781,040, A>C. VCF-style: chr8-60781040-A-C. GRCh37 (hg19) VCF-style: chr8-61693599-A-C.
Other names: c.1706A>C, p.Asp569Ala (NM_001316690.1); short protein forms D569A.
Identifiers: ClinVar variation 4777936 (VCV004777936.1).